The following is an entry in ClinVar:

NM_002691.4(POLD1):c.1034G>T (p.Gly345Val)

Gene: POLD1 (DNA polymerase delta 1, catalytic subunit; plus strand). Cytogenetic location: 19q13.33.
Variant type: single nucleotide variant.
Coding change: c.1034G>T on transcript NM_002691.4 (MANE Select); coding-DNA position 1034, G replaced by T.
Protein change: p.Gly345Val; replaces glycine 345 with valine.
Molecular consequence: missense variant. On other transcripts: non-coding transcript variant (1).
Genome position (GRCh38, 1-based): chr19:50,403,116, G>T. VCF-style: chr19-50403116-G-T. GRCh37 (hg19) VCF-style: chr19-50906373-G-T.
Other names: c.1034G>T, p.Gly345Val (NM_001256849.1, NM_001308632.1); short protein forms G345V.
Identifiers: ClinVar variation 484380 (VCV000484380.11), dbSNP rs1555790409, ClinGen allele CA406978076.
Genomic context (GRCh38, chr19:50,403,116, plus strand): 5'-TCTTCCCTGAGCCTGAGCGGGACCCTGTCATCCAGATCTGCTCGCTGGGCCTGCGCTGGG[G>T]GGAGCCGGAGCCCTTCCTACGCCTGGCGCTCACCCTGCGGCCCTGTGCCCCCATCCTGGG-3'
Protein context (NP_002682.2, residues 335-355): IQICSLGLRW[Gly345Val]EPEPFLRLAL

ClinVar aggregate classification (germline): Uncertain significance. Review status: criteria provided, multiple submitters, no conflicts (2 of 4 stars). 2 submissions from 2 submitters: Uncertain significance (2). Last evaluated 2025-06-19.

Conditions:
POLD1-related polyposis and colorectal cancer syndrome (CRCS10). Also called: Colorectal cancer 10; COLORECTAL CANCER, SUSCEPTIBILITY TO, ON CHROMOSOME 19q; Colorectal cancer, susceptibility to, 10. Identifiers: Orphanet 220460, MedGen C2675481, MONDO:0012953, OMIM 612591.
Hereditary cancer-predisposing syndrome. Also called: Tumor predisposition; Hereditary Cancer Syndrome; Hereditary neoplastic syndrome; Neoplastic Syndromes, Hereditary. Identifiers: Orphanet 140162, MedGen C0027672, MeSH D009386, MONDO:0015356.

Submissions (2):

Ambry Genetics
Classification: Uncertain significance for Hereditary cancer-predisposing syndrome. Last evaluated: 2025-06-19. Review status: criteria provided, single submitter. Criteria: Ambry Variant Classification Scheme 2023. Collection method: clinical testing. Allele origin: germline.
Comment: The p.G345V variant (also known as c.1034G>T), located in coding exon 8 of the POLD1 gene, results from a G to T substitution at nucleotide position 1034. The glycine at codon 345 is replaced by valine, an amino acid with dissimilar properties. This variant was not reported in population based cohorts in the following databases: Database of Single Nucleotide Polymorphisms (dbSNP), NHLBI Exome Sequencing Project (ESP), and 1000 Genomes Project. In the ESP, this variant was not observed in 6439 samples (12878 alleles) with coverage at this position. To date, this alteration has been detected with an allele frequency of approximately 0.001% (greater than 80000 alleles tested) in our clinical cohort. This amino acid position is highly conserved in available vertebrate species. In addition, this alteration is predicted to be deleterious by in silico analysis. Since supporting evidence is limited at this time, the clinical significance of this alteration remains unclear.

Labcorp Genetics (formerly Invitae), Labcorp
Classification: Uncertain significance for POLD1-related polyposis and colorectal cancer syndrome. Last evaluated: 2023-04-24. Review status: criteria provided, single submitter. Criteria: Invitae Variant Classification Sherloc (09022015). Collection method: clinical testing. Allele origin: germline.
Comment: In summary, the available evidence is currently insufficient to determine the role of this variant in disease. Therefore, it has been classified as a Variant of Uncertain Significance. Advanced modeling of protein sequence and biophysical properties (such as structural, functional, and spatial information, amino acid conservation, physicochemical variation, residue mobility, and thermodynamic stability) performed at Invitae indicates that this missense variant is expected to disrupt POLD1 protein function. ClinVar contains an entry for this variant (Variation ID: 484380). This variant has not been reported in the literature in individuals affected with POLD1-related conditions. This variant is not present in population databases (gnomAD no frequency). This sequence change replaces glycine, which is neutral and non-polar, with valine, which is neutral and non-polar, at codon 345 of the POLD1 protein (p.Gly345Val).